The following is an entry in ClinVar:

NM_007255.3(B4GALT7):c.242_243del (p.Pro81fs)

Gene: B4GALT7 (beta-1,4-galactosyltransferase 7; plus strand). Cytogenetic location: 5q35.3.
Variant type: Deletion.
Coding change: c.242_243del on transcript NM_007255.3 (MANE Select); coding-DNA positions 242 to 243, 2 bases deleted (CT; older notation c.242_243delCT).
Protein change: p.Pro81fs; shifts the reading frame from proline 81.
Molecular consequence: frameshift variant.
Genome position (GRCh38, 1-based): chr5:177,604,370-177,604,371, CT deleted. VCF-style (leftmost placement, unchanged base first): chr5-177604369-CCT-C. GRCh37 (hg19) VCF-style: chr5-177031370-CCT-C.
Other names: c.242_243delCT (NM_007255.3); short protein forms P81fs.
Identifiers: ClinVar variation 2165476 (VCV002165476.5), dbSNP rs761789460, ClinGen allele CA3586416.

ClinVar aggregate classification (germline): Pathogenic. Review status: criteria provided, multiple submitters, no conflicts (2 of 4 stars). 2 submissions from 2 submitters: Pathogenic (2). Last evaluated 2025-09-22.

Conditions:
Spondylodysplastic Ehlers-Danlos syndrome. Identifiers: Orphanet 536471, Orphanet 75496, MedGen C5680154, MONDO:0007526.

Allele frequency attached by ClinVar (database versions not stated): gnomAD exomes below 0.00001; ExAC 0.00001; gnomAD 0.00001; TOPMed 0.00001.

Submissions (2):

Women's Health and Genetics/Laboratory Corporation of America, LabCorp
Classification: Pathogenic for Spondylodysplastic Ehlers-Danlos syndrome. Last evaluated: 2025-09-22. Review status: criteria provided, single submitter. Criteria: LabCorp Variant Classification Summary - May 2015. Collection method: clinical testing. Allele origin: germline.
Comment: Variant summary: B4GALT7 c.242_243delCT (p.Pro81ArgfsX84) results in a premature termination codon, predicted to cause a truncation of the encoded protein or absence of the protein due to nonsense mediated decay, which are commonly known mechanisms for disease. The variant allele was found at a frequency of 4.1e-06 in 244502 control chromosomes. To our knowledge, no occurrence of c.242_243delCT in individuals affected with B4GALT7-related conditions and no experimental evidence demonstrating its impact on protein function have been reported. ClinVar contains an entry for this variant (Variation ID: 2165476). Based on the evidence outlined above, the variant was classified as pathogenic.

Labcorp Genetics (formerly Invitae), Labcorp
Classification: Pathogenic for Spondylodysplastic Ehlers-Danlos syndrome. Last evaluated: 2025-09-04. Review status: criteria provided, single submitter. Criteria: Invitae Variant Classification Sherloc (09022015). Collection method: clinical testing. Allele origin: germline.
Comment: This sequence change creates a premature translational stop signal (p.Pro81Argfs*84) in the B4GALT7 gene. It is expected to result in an absent or disrupted protein product. Loss-of-function variants in B4GALT7 are known to be pathogenic (PMID: 26940150, 31614862, 38431799). This variant is present in population databases (rs761789460, gnomAD 0.0009%). This variant has not been reported in the literature in individuals affected with B4GALT7-related conditions. ClinVar contains an entry for this variant (Variation ID: 2165476). For these reasons, this variant has been classified as Pathogenic.

Literature cited by the submitters: PubMed 26940150 (cited by Labcorp Genetics (formerly Invitae), Labcorp); PubMed 31614862 (cited by Labcorp Genetics (formerly Invitae), Labcorp); PubMed 38431799 (cited by Labcorp Genetics (formerly Invitae), Labcorp).